The following is an entry in ClinVar:

ClinVar aggregate classification (germline): Uncertain significance (1 of 4 stars; one submission).

Allele frequency attached by ClinVar (database versions not stated): gnomAD exomes below 0.00001.
gnomAD v4.1: 2 of 1,586,724 alleles (0.00013%); highest among the groups gnomAD compares: Non-Finnish European, 0.00017%; no homozygotes.

Submission:

Labcorp Genetics (formerly Invitae), Labcorp
Classification: Uncertain significance. Last evaluated: 2022-06-04. Review status: criteria provided, single submitter. Criteria: Invitae Variant Classification Sherloc (09022015). Collection method: clinical testing. Allele origin: germline.
Comment: This sequence change replaces isoleucine, which is neutral and non-polar, with valine, which is neutral and non-polar, at codon 680 of the SZT2 protein (p.Ile680Val). The frequency data for this variant in the population databases is considered unreliable, as metrics indicate poor data quality at this position in the gnomAD database. This variant has not been reported in the literature in individuals affected with SZT2-related conditions. Algorithms developed to predict the effect of missense changes on protein structure and function (SIFT, PolyPhen-2, Align-GVGD) all suggest that this variant is likely to be tolerated. In summary, the available evidence is currently insufficient to determine the role of this variant in disease. Therefore, it has been classified as a Variant of Uncertain Significance.

NM_001365999.1(SZT2):c.2038A>G (p.Ile680Val)

Gene: SZT2 (SZT2 subunit of KICSTOR complex; plus strand). Cytogenetic location: 1p34.2.
Variant type: single nucleotide variant.
Coding change: c.2038A>G on transcript NM_001365999.1 (MANE Select); coding-DNA position 2038, A replaced by G.
Protein change: p.Ile680Val; replaces isoleucine 680 with valine.
Molecular consequence: missense variant.
Genome position (GRCh38, 1-based): chr1:43,423,099, A>G. VCF-style: chr1-43423099-A-G. GRCh37 (hg19) VCF-style: chr1-43888770-A-G.
Other names: c.2038A>G, p.Ile680Val (NM_015284.4); short protein forms I680V.
Identifiers: ClinVar variation 2178970 (VCV002178970.4), dbSNP rs1345496371, ClinGen allele CA340010860.